The following is an entry in ClinVar:

NM_002336.3(LRP6):c.1927dup (p.Arg643fs)

Gene: LRP6 (LDL receptor related protein 6; minus strand). Cytogenetic location: 12p13.2.
Variant type: Duplication.
Coding change: c.1927dup on transcript NM_002336.3 (MANE Select); coding-DNA position 1927, one base duplicated (A; older notation c.1927dupA).
Protein change: p.Arg643fs; shifts the reading frame from arginine 643.
Molecular consequence: frameshift variant. On other transcripts: non-coding transcript variant (1), intron variant (1).
Genome position (GRCh38, 1-based): chr12:12,164,398, T duplicated on the plus strand (A on the coding strand, the reverse complement: LRP6 is on the minus strand). VCF-style (leftmost placement, unchanged base first): chr12-12164397-C-CT. GRCh37 (hg19) VCF-style: chr12-12317331-C-CT.
Other names: c.1927dup, p.Arg643fs (NM_001414244.1, NM_001414245.1, NM_001414246.1 and 4 more transcripts); c.1729dup, p.Arg577fs (NM_001414247.1); c.1474dup, p.Arg492fs (NM_001414252.1, NM_001414253.1, NM_001414254.1); c.1546-1979dup (NM_001414255.1); short protein forms R492fs, R577fs, R643fs.
Identifiers: ClinVar variation 2576112 (VCV002576112.1), dbSNP rs2498871403, ClinGen allele CA2580615134.

ClinVar aggregate classification (germline): Likely pathogenic (1 of 4 stars; one submission).

Submission:

Institute for Clinical Genetics, University Hospital TU Dresden, University Hospital TU Dresden
Classification: Likely pathogenic. Last evaluated: 2023-04-12. Review status: criteria provided, single submitter. Criteria: ACMG Guidelines, 2015. Collection method: clinical testing. Allele origin: germline.
Comment: PVS1, PM2_SUP